The following is an entry in ClinVar:

ClinVar aggregate classification (germline): Uncertain significance (1 of 4 stars; one submission).

Submission:

Ambry Genetics
Classification: Uncertain significance. Last evaluated: 2026-02-19. Review status: criteria provided, single submitter. Criteria: Ambry Variant Classification Scheme 2023. Collection method: clinical testing. Allele origin: germline.
Comment: The p.R41S variant (also known as c.123A>C), located in coding exon 3 of the RPS20 gene, results from an A to C substitution at nucleotide position 123. The arginine at codon 41 is replaced by serine, an amino acid with dissimilar properties. This amino acid position is highly conserved in available vertebrate species. In addition, this alteration is predicted to be deleterious by in silico analysis. Based on the available evidence, the clinical significance of this variant remains unclear.

NM_001023.4(RPS20):c.123A>C (p.Arg41Ser)

Gene: RPS20 (ribosomal protein S20; minus strand). Cytogenetic location: 8q12.1.
Variant type: single nucleotide variant.
Coding change: c.123A>C on transcript NM_001023.4 (MANE Select); coding-DNA position 123, A replaced by C.
Protein change: p.Arg41Ser; replaces arginine 41 with serine.
Molecular consequence: missense variant.
Genome position (GRCh38, 1-based): chr8:56,073,749, T>G on the plus strand (A>C on the coding strand, the complement: RPS20 is on the minus strand). VCF-style: chr8-56073749-T-G. GRCh37 (hg19) VCF-style: chr8-56986308-T-G.
Other names: c.123A>C, p.Arg41Ser (NM_001146227.3); short protein forms R41S.
Identifiers: ClinVar variation 4844313 (VCV004844313.1).
Genomic context (GRCh38, chr8:56,073,749, plus strand): 5'-CTTTACCTTGGTAGGCATTCGAACTGGTCCTTTCACTTTGAGATTCTTTTCTTTTGCGCC[T>G]CTTATCAAGTCAGCACACACTACAGGAAATAAAAGACCTCTCAGTATAATCGAAACAATT-3'
Protein context (NP_001014.1, residues 31-51): SLEKVCADLI[Arg41Ser]GAKEKNLKVK